The following is an entry in ClinVar:

NM_000535.7(PMS2):c.1422A>G (p.Ala474=)

Gene: PMS2 (PMS1 homolog 2, mismatch repair system component; minus strand). Cytogenetic location: 7p22.1.
Variant type: single nucleotide variant.
Coding change: c.1422A>G on transcript NM_000535.7 (MANE Select); coding-DNA position 1422, A replaced by G.
Protein change: p.Ala474=; no amino-acid change (alanine 474 retained).
Molecular consequence: synonymous variant. On other transcripts: non-coding transcript variant (1).
Genome position (GRCh38, 1-based): chr7:5,987,343, T>C on the plus strand (A>G on the coding strand, the complement: PMS2 is on the minus strand). VCF-style: chr7-5987343-T-C. GRCh37 (hg19) VCF-style: chr7-6026974-T-C.
Other names: c.1017A>G, p.Ala339= (NM_001322003.2, NM_001322004.2, NM_001322005.2 and 1 more transcripts); c.1266A>G, p.Ala422= (NM_001322006.2); c.1104A>G, p.Ala368= (NM_001322007.2, NM_001322008.2); c.861A>G, p.Ala287= (NM_001322010.2); c.489A>G, p.Ala163= (NM_001322011.2, NM_001322012.2); c.849A>G, p.Ala283= (NM_001322013.2); c.1422A>G, p.Ala474= (NM_001322014.2); c.1113A>G, p.Ala371= (NM_001322015.2).
Identifiers: ClinVar variation 643301 (VCV000643301.9), dbSNP rs1057522125, ClinGen allele CA453746499.
Genomic context (GRCh38, chr7:5,987,343, plus strand): 5'-CGAGTCCTTCTCCACCTCCGCTCTGTCCGTAGGGTCACTGGGTCCGTGACTGGAACTCAC[T>C]GCCTCTTTCTGAGGTCTCAGGACGCCTTTGTCAGAGATGGCACCTGAAGTGCTAGAAGAC-3'
Protein context (NP_000526.2, residues 464-484): DKGVLRPQKE[Ala474=]VSSSHGPSDP

ClinVar aggregate classification (germline): Benign/Likely benign. Review status: criteria provided, multiple submitters, no conflicts (2 of 4 stars). 2 submissions from 2 submitters: Benign (1); Likely benign (1). Last evaluated 2025-07-30.

Conditions:
Hereditary nonpolyposis colorectal neoplasms. Identifiers: MedGen C0009405, MeSH D003123.
Lynch syndrome 4 (LYNCH4). Also called: Colorectal cancer, hereditary nonpolyposis, type 4; Hereditary non-polyposis colorectal cancer, type 4. Identifiers: Orphanet 144, MedGen C1838333, MONDO:0013699, OMIM 614337. Disease mechanism: loss of function.

Submissions (2):

Labcorp Genetics (formerly Invitae), Labcorp
Classification: Likely benign for Hereditary nonpolyposis colorectal neoplasms. Last evaluated: 2025-07-30. Review status: criteria provided, single submitter. Criteria: Invitae Variant Classification Sherloc (09022015). Collection method: clinical testing. Allele origin: germline.

Myriad Genetics, Inc.
Classification: Benign for Lynch syndrome 4. Last evaluated: 2025-01-30. Review status: criteria provided, single submitter. Criteria: Myriad Autosomal Dominant, Autosomal Recessive and X-Linked Classification Criteria (2023). Collection method: clinical testing. Allele origin: unknown.
Comment: This variant is considered benign. This variant is a silent/synonymous amino acid change and it is not expected to impact splicing.